The following is an entry in ClinVar:

NM_017852.5(NLRP2):c.1842G>A (p.Glu614=)

Gene: NLRP2 (NLR family pyrin domain containing 2; plus strand). Cytogenetic location: 19q13.42.
Variant type: single nucleotide variant.
Coding change: c.1842G>A on transcript NM_017852.5 (MANE Select); coding-DNA position 1842, G replaced by A.
Protein change: p.Glu614=; no amino-acid change (glutamic acid 614 retained).
Molecular consequence: synonymous variant. On other transcripts: non-coding transcript variant (1).
Genome position (GRCh38, 1-based): chr19:54,983,540, G>A. VCF-style: chr19-54983540-G-A. GRCh37 (hg19) VCF-style: chr19-55494908-G-A.
Other names: c.1842G>A, p.Glu614= (NM_001174081.3); c.1776G>A, p.Glu592= (NM_001174082.3); c.1773G>A, p.Glu591= (NM_001174083.2); c.1833G>A, p.Glu611= (NM_001348003.2).
Identifiers: ClinVar variation 103051 (VCV000103051.2), dbSNP rs199475717, ClinGen allele CA230029.
Genomic context (GRCh38, chr19:54,983,540, plus strand): 5'-TGGACATTCAACGGTGACAGACCTGCAGGAGCTCCTCGGCTGTCTGTACGAGTCTCAGGA[G>A]GAGGAGCTGGTGAAGGAGGTGATGGCTCAGTTCAAAGAAATATCCCTGCACTTAAATGCA-3'
Protein context (NP_060322.1, residues 604-624): ELLGCLYESQ[Glu614=]EELVKEVMAQ

ClinVar aggregate classification (germline): not provided (0 of 4 stars; one submission).

Submission:

Human Evolutionary Genetics, Institut Pasteur
No classification provided. Review status: no classification provided. Collection method: not provided. Allele origin: germline.
ClinVar note: Converted during submission from untested to not provided.